The following is an entry in ClinVar:

ClinVar aggregate classification (germline): Uncertain significance (1 of 4 stars; one submission).

Conditions:
Hereditary cancer-predisposing syndrome. Also called: Neoplastic Syndromes, Hereditary; Tumor predisposition; Hereditary Cancer Syndrome; Hereditary neoplastic syndrome. Identifiers: Orphanet 140162, MedGen C0027672, MeSH D009386, MONDO:0015356.

Submission:

Ambry Genetics
Classification: Uncertain significance for Hereditary cancer-predisposing syndrome. Last evaluated: 2025-10-28. Review status: criteria provided, single submitter. Criteria: Ambry Variant Classification Scheme 2023. Collection method: clinical testing. Allele origin: germline.
Comment: The c.662+3A>T intronic variant results from an A to T substitution 3 nucleotides after coding exon 5 in the ATM gene. This nucleotide position is highly conserved in available vertebrate species. In silico splice site analysis predicts that this alteration will weaken the native splice donor site. Based on the available evidence, the clinical significance of this variant remains unclear.

NM_000051.4(ATM):c.662+3A>T

Gene: ATM (ATM serine/threonine kinase; plus strand). Cytogenetic location: 11q22.3.
Variant type: single nucleotide variant.
Coding change: c.662+3A>T on transcript NM_000051.4 (MANE Select); 3 bases into the intron after coding-DNA position 662, A replaced by T.
Molecular consequence: intron variant.
Genome position (GRCh38, 1-based): chr11:108,244,121, A>T. VCF-style: chr11-108244121-A-T. GRCh37 (hg19) VCF-style: chr11-108114848-A-T.
Other names: c.662+3A>T (NM_001351834.2).
Identifiers: ClinVar variation 4618015 (VCV004618015.1).